The following is an entry in ClinVar:

ClinVar aggregate classification (germline): Uncertain significance (1 of 4 stars; one submission).

Allele frequency attached by ClinVar (database versions not stated): gnomAD exomes below 0.00001.
gnomAD v4.1: 1 of 1,610,766 alleles (0.000062%); highest among the groups gnomAD compares: Non-Finnish European, 0.000085%; no homozygotes.

Submission:

Labcorp Genetics (formerly Invitae), Labcorp
Classification: Uncertain significance. Last evaluated: 2022-03-20. Review status: criteria provided, single submitter. Criteria: Invitae Variant Classification Sherloc (09022015). Collection method: clinical testing. Allele origin: germline.
Comment: In summary, the available evidence is currently insufficient to determine the role of this variant in disease. Therefore, it has been classified as a Variant of Uncertain Significance. Algorithms developed to predict the effect of missense changes on protein structure and function are either unavailable or do not agree on the potential impact of this missense change (SIFT: "Deleterious"; PolyPhen-2: "Benign"; Align-GVGD: "Class C65"). This variant has not been reported in the literature in individuals affected with NBAS-related conditions. This variant is not present in population databases (gnomAD no frequency). This sequence change replaces isoleucine, which is neutral and non-polar, with threonine, which is neutral and polar, at codon 176 of the NBAS protein (p.Ile176Thr).

NM_015909.4(NBAS):c.527T>C (p.Ile176Thr)

Gene: NBAS (NBAS subunit of NRZ tethering complex; minus strand). Cytogenetic location: 2p24.3.
Variant type: single nucleotide variant.
Coding change: c.527T>C on transcript NM_015909.4 (MANE Select); coding-DNA position 527, T replaced by C.
Protein change: p.Ile176Thr; replaces isoleucine 176 with threonine.
Molecular consequence: missense variant. On other transcripts: non-coding transcript variant (1).
Genome position (GRCh38, 1-based): chr2:15,536,538, A>G on the plus strand (T>C on the coding strand, the complement: NBAS is on the minus strand). VCF-style: chr2-15536538-A-G. GRCh37 (hg19) VCF-style: chr2-15676662-A-G.
Other names: short protein forms I176T.
Identifiers: ClinVar variation 2097488 (VCV002097488.4), dbSNP rs2527939599, ClinGen allele CA345886437.